The following is an entry in ClinVar:

ClinVar aggregate classification (germline): Uncertain significance (1 of 4 stars; one submission).

Submission:

GeneDx
Classification: Uncertain significance. Last evaluated: 2024-12-05. Review status: criteria provided, single submitter. Criteria: GeneDx Variant Classification Process June 2021. Collection method: clinical testing. Allele origin: germline. Affected: yes.
Comment: Not observed at significant frequency in large population cohorts (gnomAD); In silico analysis supports a deleterious effect on protein structure/function; In-silico analysis is inconclusive as to whether the variant alters gene splicing. In the absence of RNA/functional studies, the actual effect of this sequence change is unknown.; Has not been previously published as pathogenic or benign to our knowledge

NM_013432.5(TONSL):c.466_467delinsTT (p.Glu156Leu)

Gene: TONSL (tonsoku like, DNA repair protein; minus strand). Cytogenetic location: 8q24.3.
Variant type: Indel.
Coding change: c.466_467delinsTT on transcript NM_013432.5 (MANE Select); coding-DNA positions 466 to 467, GA replaced by TT.
Protein change: p.Glu156Leu; replaces glutamic acid 156 with leucine.
Molecular consequence: missense variant.
Genome position (GRCh38, 1-based): chr8:144,442,788-144,442,789, TC replaced by AA on the plus strand (GA replaced by TT on the coding strand, the reverse complement: TONSL is on the minus strand). VCF-style: chr8-144442788-TC-AA. GRCh37 (hg19) VCF-style: chr8-145668171-TC-AA.
Other names: short protein forms E156L.
Identifiers: ClinVar variation 1700348 (VCV001700348.3), dbSNP rs2129697535, ClinGen allele CA2580078718.